The following is an entry in ClinVar:

NM_004656.4(BAP1):c.359A>C (p.Lys120Thr)

Gene: BAP1 (BRCA1 associated deubiquitinase 1; minus strand). Cytogenetic location: 3p21.1.
Variant type: single nucleotide variant.
Coding change: c.359A>C on transcript NM_004656.4 (MANE Select); coding-DNA position 359, A replaced by C.
Protein change: p.Lys120Thr; replaces lysine 120 with threonine.
Molecular consequence: missense variant.
Genome position (GRCh38, 1-based): chr3:52,407,974, T>G on the plus strand (A>C on the coding strand, the complement: BAP1 is on the minus strand). VCF-style: chr3-52407974-T-G. GRCh37 (hg19) VCF-style: chr3-52441990-T-G.
Other names: c.359A>C, p.Lys120Thr (NM_001410772.1); short protein forms K120T.
Identifiers: ClinVar variation 3260371 (VCV003260371.3).

ClinVar aggregate classification (germline): Uncertain significance. Review status: criteria provided, multiple submitters, no conflicts (2 of 4 stars). 2 submissions from 2 submitters: Uncertain significance (2). Last evaluated 2024-06-04.

Conditions:
Hereditary cancer-predisposing syndrome. Also called: Hereditary Cancer Syndrome; Tumor predisposition; Hereditary neoplastic syndrome; Neoplastic Syndromes, Hereditary. Identifiers: Orphanet 140162, MedGen C0027672, MeSH D009386, MONDO:0015356.
BAP1-related tumor predisposition syndrome (TPDS1). Also called: Tumor susceptibility linked to germline BAP1 mutations; BAP1 tumor predisposition syndrome; COMMON Syndrome; TUMOR PREDISPOSITION SYNDROME 1. Identifiers: Orphanet 289539, MedGen C3280492, MONDO:0013692, OMIM 614327.

Submissions (2):

Labcorp Genetics (formerly Invitae), Labcorp
Classification: Uncertain significance for BAP1-related tumor predisposition syndrome. Last evaluated: 2024-06-04. Review status: criteria provided, single submitter. Criteria: Invitae Variant Classification Sherloc (09022015). Collection method: clinical testing. Allele origin: germline.
Comment: This sequence change replaces lysine, which is basic and polar, with threonine, which is neutral and polar, at codon 120 of the BAP1 protein (p.Lys120Thr). This variant is not present in population databases (gnomAD no frequency). This variant has not been reported in the literature in individuals affected with BAP1-related conditions. Algorithms developed to predict the effect of missense changes on protein structure and function output the following: SIFT: "Not Available"; PolyPhen-2: "Benign"; Align-GVGD: "Not Available". The threonine amino acid residue is found in multiple mammalian species, which suggests that this missense change does not adversely affect protein function. In summary, the available evidence is currently insufficient to determine the role of this variant in disease. Therefore, it has been classified as a Variant of Uncertain Significance.

Ambry Genetics
Classification: Uncertain significance for Hereditary cancer-predisposing syndrome. Last evaluated: 2024-03-19. Review status: criteria provided, single submitter. Criteria: Ambry Variant Classification Scheme 2023. Collection method: clinical testing. Allele origin: germline.
Comment: The p.K120T variant (also known as c.359A>C), located in coding exon 5 of the BAP1 gene, results from an A to C substitution at nucleotide position 359. The lysine at codon 120 is replaced by threonine, an amino acid with similar properties. This amino acid position is conserved. In addition, this alteration is predicted to be tolerated by in silico analysis. Based on the available evidence, the clinical significance of this alteration remains unclear.